The following is an entry in ClinVar:

NM_032119.4(ADGRV1):c.14008G>A (p.Val4670Ile)

Gene: ADGRV1 (adhesion G protein-coupled receptor V1; plus strand). Cytogenetic location: 5q14.3.
Variant type: single nucleotide variant.
Coding change: c.14008G>A on transcript NM_032119.4 (MANE Select); coding-DNA position 14008, G replaced by A.
Protein change: p.Val4670Ile; replaces valine 4670 with isoleucine.
Molecular consequence: missense variant. On other transcripts: non-coding transcript variant (1).
Genome position (GRCh38, 1-based): chr5:90,789,816, G>A. VCF-style: chr5-90789816-G-A. GRCh37 (hg19) VCF-style: chr5-90085633-G-A.
Other names: short protein forms V4670I.
Identifiers: ClinVar variation 861199 (VCV000861199.9), dbSNP rs1759873208, ClinGen allele CA360399038.

ClinVar aggregate classification (germline): Uncertain significance (1 of 4 stars; one submission).

Submission:

Labcorp Genetics (formerly Invitae), Labcorp
Classification: Uncertain significance. Last evaluated: 2019-11-28. Review status: criteria provided, single submitter. Criteria: Invitae Variant Classification Sherloc (09022015). Collection method: clinical testing. Allele origin: germline.
Comment: This sequence change replaces valine with isoleucine at codon 4670 of the ADGRV1 protein (p.Val4670Ile). The valine residue is moderately conserved and there is a small physicochemical difference between valine and isoleucine. This variant is not present in population databases (ExAC no frequency). This variant has not been reported in the literature in individuals with ADGRV1-related conditions. Algorithms developed to predict the effect of missense changes on protein structure and function are either unavailable or do not agree on the potential impact of this missense change (SIFT: "Tolerated"; PolyPhen-2: "Possibly Damaging"; Align-GVGD: "Class C0"). In summary, the available evidence is currently insufficient to determine the role of this variant in disease. Therefore, it has been classified as a Variant of Uncertain Significance.